The following is an entry in ClinVar:

NM_001394998.1(TANC2):c.197T>C (p.Leu66Pro)

Gene: TANC2 (tetratricopeptide repeat, ankyrin repeat and coiled-coil containing 2; plus strand). Cytogenetic location: 17q23.2.
Variant type: single nucleotide variant.
Coding change: c.197T>C on transcript NM_001394998.1 (MANE Select); coding-DNA position 197, T replaced by C.
Protein change: p.Leu66Pro; replaces leucine 66 with proline.
Molecular consequence: missense variant.
Genome position (GRCh38, 1-based): chr17:63,099,232, T>C. VCF-style: chr17-63099232-T-C. GRCh37 (hg19) VCF-style: chr17-61176593-T-C.
Other names: c.197T>C, p.Leu66Pro (NM_001411076.1, NM_025185.4); c.197T>C (NM_025185.3); short protein forms L66P.
Identifiers: ClinVar variation 2582961 (VCV002582961.26), dbSNP rs376757064, ClinGen allele CA8697326.

ClinVar aggregate classification (germline): Likely benign. Review status: criteria provided, single submitter (1 of 4 stars). 2 submissions from 2 submitters: Likely benign (1). 1 of the submissions does not count toward it. Last evaluated 2023-09-01.

Conditions:
TANC2-related disorder. Also called: TANC2-related condition.

Allele frequency attached by ClinVar (database versions not stated): ESP Exome Variant Server 0.00008; gnomAD exomes 0.00008; TOPMed 0.00020; gnomAD 0.00024; ExAC 0.00050; 1000 Genomes Project 30x 0.00094; 1000 Genomes Project 0.00100.
gnomAD v4.1: 210 of 1,610,702 alleles (0.013%); highest among the groups gnomAD compares: East Asian, 0.29%; 1 homozygote.

Submissions (2):

CeGaT Center for Human Genetics Tuebingen
Classification: Likely benign. Last evaluated: 2023-09-01. Review status: criteria provided, single submitter. Criteria: CeGaT Center For Human Genetics Tuebingen Variant Classification Criteria Version 2. Collection method: clinical testing. Allele origin: germline. Affected: yes. Observed: 1 variant allele.
Comment: TANC2: BS1

PreventionGenetics, part of Exact Sciences
Classification: Likely benign for TANC2-related condition. Last evaluated: 2019-05-28. Review status: no assertion criteria provided. Collection method: clinical testing. Allele origin: germline. Not counted in ClinVar's aggregate classification.
Comment: This variant is classified as likely benign based on ACMG/AMP sequence variant interpretation guidelines (Richards et al. 2015 PMID: 25741868, with internal and published modifications).